The following is an entry in ClinVar:

NM_014112.5(TRPS1):c.3185C>T (p.Pro1062Leu)

Gene: TRPS1 (transcriptional repressor GATA binding 1; minus strand). Cytogenetic location: 8q23.3.
Variant type: single nucleotide variant.
Coding change: c.3185C>T on transcript NM_014112.5 (MANE Select); coding-DNA position 3185, C replaced by T.
Protein change: p.Pro1062Leu; replaces proline 1062 with leucine.
Molecular consequence: missense variant.
Genome position (GRCh38, 1-based): chr8:115,414,723, G>A on the plus strand (C>T on the coding strand, the complement: TRPS1 is on the minus strand). VCF-style: chr8-115414723-G-A. GRCh37 (hg19) VCF-style: chr8-116426951-G-A.
Other names: c.3158C>T, p.Pro1053Leu (NM_001282902.3); c.3164C>T, p.Pro1055Leu (NM_001282903.3); c.3146C>T, p.Pro1049Leu (NM_001330599.2); short protein forms P1055L, P1062L, P1049L, P1053L.
Identifiers: ClinVar variation 2120489 (VCV002120489.4), dbSNP rs2536582328, ClinGen allele CA372063317.

ClinVar aggregate classification (germline): Uncertain significance (1 of 4 stars; one submission).

Conditions:
Trichorhinophalangeal syndrome, type III (TRPS3). Also called: SUGIO-KAJII SYNDROME. Identifiers: Orphanet 77258, MedGen C1860823, OMIM 190351, MONDO:0008597.
Trichorhinophalangeal dysplasia type I (TRPS1). Also called: TRICHORHINOPHALANGEAL SYNDROME, TYPE I; TRPS I. Identifiers: Orphanet 77258, MedGen C0432233, MONDO:0008596, OMIM 190350.

Submission:

Labcorp Genetics (formerly Invitae), Labcorp
Classification: Uncertain significance for Trichorhinophalangeal syndrome, type III; Trichorhinophalangeal dysplasia type I. Last evaluated: 2022-04-01. Review status: criteria provided, single submitter. Criteria: Invitae Variant Classification Sherloc (09022015). Collection method: clinical testing. Allele origin: germline.
Comment: This variant has not been reported in the literature in individuals affected with TRPS1-related conditions. This variant is not present in population databases (gnomAD no frequency). This sequence change replaces proline, which is neutral and non-polar, with leucine, which is neutral and non-polar, at codon 1062 of the TRPS1 protein (p.Pro1062Leu). Algorithms developed to predict the effect of missense changes on protein structure and function are either unavailable or do not agree on the potential impact of this missense change (SIFT: "Deleterious"; PolyPhen-2: "Probably Damaging"; Align-GVGD: "Class C0"). In summary, the available evidence is currently insufficient to determine the role of this variant in disease. Therefore, it has been classified as a Variant of Uncertain Significance.